The following is an entry in ClinVar:

ClinVar aggregate classification (germline): Uncertain significance (1 of 4 stars; one submission).

Submission:

Labcorp Genetics (formerly Invitae), Labcorp
Classification: Uncertain significance. Last evaluated: 2024-09-29. Review status: criteria provided, single submitter. Criteria: Invitae Variant Classification Sherloc (09022015). Collection method: clinical testing. Allele origin: germline.
Comment: This sequence change falls in intron 23 of the COL11A1 gene. It does not directly change the encoded amino acid sequence of the COL11A1 protein. This variant is not present in population databases (gnomAD no frequency). This variant has not been reported in the literature in individuals affected with COL11A1-related conditions. Algorithms developed to predict the effect of sequence changes on RNA splicing suggest that this variant may disrupt the consensus splice site. In summary, the available evidence is currently insufficient to determine the role of this variant in disease. Therefore, it has been classified as a Variant of Uncertain Significance.

NM_001854.4(COL11A1):c.2098-14T>G

Gene: COL11A1 (collagen type XI alpha 1 chain; minus strand). Cytogenetic location: 1p21.1.
Variant type: single nucleotide variant.
Coding change: c.2098-14T>G on transcript NM_001854.4 (MANE Select); 14 bases into the intron before coding-DNA position 2098, T replaced by G.
Molecular consequence: intron variant.
Genome position (GRCh38, 1-based): chr1:103,001,983, A>C on the plus strand (T>G on the coding strand, the complement: COL11A1 is on the minus strand). VCF-style: chr1-103001983-A-C. GRCh37 (hg19) VCF-style: chr1-103467539-A-C.
Other names: c.1981-14T>G (NM_001190709.2); c.2134-14T>G (NM_080629.3); c.1750-14T>G (NM_080630.4).
Identifiers: ClinVar variation 3721259 (VCV003721259.2).